The following is an entry in ClinVar:

ClinVar aggregate classification (germline): Likely pathogenic. Review status: criteria provided, single submitter (1 of 4 stars). 2 submissions from 2 submitters: Likely pathogenic (1). 1 of the submissions does not count toward it. Last evaluated 2022-09-30.

Conditions:
NALCN-related disorder. Also called: NALCN-related disorders; NALCN-related condition.
Congenital contractures of the limbs and face, hypotonia, and developmental delay (CLIFAHDD). Identifiers: Orphanet 562528, MedGen C4225398, MONDO:0014556, OMIM 616266.

Submissions (2):

Genomics Laboratory, Royal University Hospital
Classification: Likely pathogenic for Congenital contractures of the limbs and face, hypotonia, and developmental delay. Last evaluated: 2022-09-30. Review status: criteria provided, single submitter. Criteria: ACMG Guidelines, 2015. Collection method: clinical testing. Allele origin: unknown. Inheritance: Autosomal dominant inheritance. Affected: yes. Observed: 1 heterozygote.
Comment: The Ile1017Ser variant in NALCN has not been reported in the literature or in gnomAD database. In silico analysis predicts this variant is probably damaging by Polyphen2, SIFT and Mutation Taster. Multiple sequence alignment reveals that Ile1017 are highly conserved among animals, and also conserved for being hydrophobic in fungal and plant species. Another missense variant at the same amnio acid, Ile1017Thr, has been reported in individuals with CLIFAHDD syndrome (PMID: 25683120). Experimental studies on Ile1017Thr reveal that the switch of the property from hydrophobic to polar resulting in a gain-of-function phenotypes (PMID: 32698188). Given the comparable property change introduced by Ile1017Thr and the newly identified Ile1017Ser, we interpret the Ile1017Ser variant as likely pathogenic.

PreventionGenetics, part of Exact Sciences
Classification: Likely pathogenic for NALCN-related condition. Last evaluated: 2024-01-26. Review status: no assertion criteria provided. Collection method: clinical testing. Allele origin: germline. Not counted in ClinVar's aggregate classification.
Comment: The NALCN c.3050T>G variant is predicted to result in the amino acid substitution p.Ile1017Ser. This variant was reported in a patient with features of autosomal dominant congenital contractures of the limbs and face, hypotonia, and developmental delay (CLIFAHDD) syndrome (Hashemi B. et al. 2023. PubMed ID: 37469362). A different amino acid substitution at this position (c.3050T>C, p.Ile1017Thr) has been reported to occur de novo in a patient with features of CLIFAHDD syndrome (Chong et al 2015. PubMed ID: 25683120). Functional studies on the p.Ile1017Thr variant suggest this residue may be important for protein function (ExtData Figure 10c in Kschonsak M et al 2020. PubMed ID: 32698188). To our knowledge, this variant has not been reported in a large population database, indicating this variant is rare. Taken together, we interpret this variant as likely pathogenic.

Literature cited by the submitters: PubMed 25683120 (cited by Genomics Laboratory, Royal University Hospital); PubMed 32698188 (cited by Genomics Laboratory, Royal University Hospital).

NM_052867.4(NALCN):c.3050T>G (p.Ile1017Ser)

Gene: NALCN (sodium leak channel, non-selective; minus strand). Cytogenetic location: 13q33.1.
Variant type: single nucleotide variant.
Coding change: c.3050T>G on transcript NM_052867.4 (MANE Select); coding-DNA position 3050, T replaced by G.
Protein change: p.Ile1017Ser; replaces isoleucine 1017 with serine.
Molecular consequence: missense variant.
Genome position (GRCh38, 1-based): chr13:101,103,179, A>C on the plus strand (T>G on the coding strand, the complement: NALCN is on the minus strand). VCF-style: chr13-101103179-A-C. GRCh37 (hg19) VCF-style: chr13-101755530-A-C.
Other names: c.3137T>G, p.Ile1046Ser (NM_001350748.2); c.3050T>G, p.Ile1017Ser (NM_001350749.2); c.2963T>G, p.Ile988Ser (NM_001350750.2, NM_001350751.2); c.3050T>G (NM_052867.2); short protein forms I1017S, I1046S, I988S.
Identifiers: ClinVar variation 1708474 (VCV001708474.4), dbSNP rs878853129, ClinGen allele CA388669129.